The following is an entry in ClinVar:

NM_003590.5(CUL3):c.218T>C (p.Leu73Pro)

Gene: CUL3 (cullin 3; minus strand). Cytogenetic location: 2q36.2.
Variant type: single nucleotide variant.
Coding change: c.218T>C on transcript NM_003590.5 (MANE Select); coding-DNA position 218, T replaced by C.
Protein change: p.Leu73Pro; replaces leucine 73 with proline.
Molecular consequence: missense variant. On other transcripts: intron variant (1).
Genome position (GRCh38, 1-based): chr2:224,557,705, A>G on the plus strand (T>C on the coding strand, the complement: CUL3 is on the minus strand). VCF-style: chr2-224557705-A-G. GRCh37 (hg19) VCF-style: chr2-225422422-A-G.
Other names: c.236T>C, p.Leu79Pro (NM_001257198.2); c.67-22064T>C (NM_001257197.2); short protein forms L73P, L79P.
Identifiers: ClinVar variation 3360639 (VCV003360639.1).

ClinVar aggregate classification (germline): Uncertain significance (1 of 4 stars; one submission).

Submission:

GeneDx
Classification: Uncertain significance. Last evaluated: 2023-06-30. Review status: criteria provided, single submitter. Criteria: GeneDx Variant Classification Process June 2021. Collection method: clinical testing. Allele origin: germline. Affected: yes.
Comment: Not observed at significant frequency in large population cohorts (gnomAD); In silico analysis supports that this missense variant has a deleterious effect on protein structure/function; Has not been previously published as pathogenic or benign to our knowledge.